The following is an entry in ClinVar:

NM_001174089.2(SLC4A11):c.44-368C>T

Gene: SLC4A11 (solute carrier family 4 member 11; minus strand). Cytogenetic location: 20p13.
Variant type: single nucleotide variant.
Coding change: c.44-368C>T on transcript NM_001174089.2 (MANE Select); 368 bases into the intron before coding-DNA position 44, C replaced by T.
Molecular consequence: intron variant. On other transcripts: missense variant (2), non-coding transcript variant (2).
Genome position (GRCh38, 1-based): chr20:3,237,956, G>A on the plus strand (C>T on the coding strand, the complement: SLC4A11 is on the minus strand). VCF-style: chr20-3237956-G-A. GRCh37 (hg19) VCF-style: chr20-3218602-G-A.
Other names: c.109C>T, p.Arg37Trp (NM_001174090.2, NM_001400280.1); c.-14-368C>T (NM_001400277.1, NM_001400278.1, NM_001400279.1); c.44-368C>T (NM_001363745.2); short protein forms R37W.
Identifiers: ClinVar variation 3033797 (VCV003033797.3), dbSNP rs182446041, ClinGen allele CA9742529.

ClinVar aggregate classification (germline): Likely benign. Review status: criteria provided, single submitter (1 of 4 stars). 2 submissions from 2 submitters: Likely benign (1). 1 of the submissions does not count toward it. Last evaluated 2024-07-17.

Conditions:
SLC4A11-related disorder. Also called: SLC4A11-related condition.

Allele frequency attached by ClinVar (database versions not stated): ExAC 0.00026; 1000 Genomes Project 0.00120; 1000 Genomes Project 30x 0.00156.

Submissions (2):

Blueprint Genetics
Classification: Likely benign. Last evaluated: 2024-07-17. Review status: criteria provided, single submitter. Criteria: ACMG Guidelines, 2015. Collection method: clinical testing. Allele origin: germline.

PreventionGenetics, part of Exact Sciences
Classification: Likely benign for SLC4A11-related condition. Last evaluated: 2022-01-03. Review status: no assertion criteria provided. Collection method: clinical testing. Allele origin: germline. Not counted in ClinVar's aggregate classification.
Comment: This variant is classified as likely benign based on ACMG/AMP sequence variant interpretation guidelines (Richards et al. 2015 PMID: 25741868, with internal and published modifications).